The following is an entry in ClinVar:

ClinVar aggregate classification (germline): Uncertain significance. Review status: criteria provided, multiple submitters, no conflicts (2 of 4 stars). 3 submissions from 3 submitters: Uncertain significance (3). Last evaluated 2023-04-11.

Conditions:
Glycogen storage disease type III (GSD3). Also called: Cori disease; FORBES DISEASE. Identifiers: Orphanet 366, MedGen C0017922, MONDO:0009291, OMIM 232400.

Submissions (3):

Genome-Nilou Lab
Classification: Uncertain significance for Glycogen storage disease type III. Last evaluated: 2023-04-11. Review status: criteria provided, single submitter. Criteria: ACMG Guidelines, 2015. Collection method: clinical testing. Allele origin: germline. Affected: no.

Fulgent Genetics
Classification: Uncertain significance for Glycogen storage disease type III. Last evaluated: 2022-01-05. Review status: criteria provided, single submitter. Criteria: ACMG Guidelines, 2015. Collection method: clinical testing. Allele origin: unknown.

Labcorp Genetics (formerly Invitae), Labcorp
Classification: Uncertain significance for Glycogen storage disease type III. Last evaluated: 2021-04-14. Review status: criteria provided, single submitter. Criteria: Invitae Variant Classification Sherloc (09022015). Collection method: clinical testing. Allele origin: germline.
Comment: This sequence change replaces proline with leucine at codon 764 of the AGL protein (p.Pro764Leu). The proline residue is moderately conserved and there is a moderate physicochemical difference between proline and leucine. In summary, the available evidence is currently insufficient to determine the role of this variant in disease. Therefore, it has been classified as a Variant of Uncertain Significance. Algorithms developed to predict the effect of missense changes on protein structure and function (SIFT, PolyPhen-2, Align-GVGD) all suggest that this variant is likely to be tolerated, but these predictions have not been confirmed by published functional studies and their clinical significance is uncertain. This variant has not been reported in the literature in individuals with AGL-related disease. This variant is not present in population databases (ExAC no frequency).

NM_000642.3(AGL):c.2291C>T (p.Pro764Leu)

Gene: AGL (amylo-alpha-1,6-glucosidase and 4-alpha-glucanotransferase; plus strand). Cytogenetic location: 1p21.2.
Variant type: single nucleotide variant.
Coding change: c.2291C>T on transcript NM_000642.3 (MANE Select); coding-DNA position 2291, C replaced by T.
Protein change: p.Pro764Leu; replaces proline 764 with leucine.
Molecular consequence: missense variant.
Genome position (GRCh38, 1-based): chr1:99,881,674, C>T. VCF-style: chr1-99881674-C-T. GRCh37 (hg19) VCF-style: chr1-100347230-C-T.
Other names: c.2291C>T, p.Pro764Leu (NM_000028.3, NM_000643.3, NM_000644.3 and 2 more transcripts); c.2243C>T, p.Pro748Leu (NM_000646.3); c.2090C>T, p.Pro697Leu (NM_001425327.1); c.2087C>T, p.Pro696Leu (NM_001425328.1, NM_001425329.1); c.1913C>T, p.Pro638Leu (NM_001425332.1); short protein forms P748L, P764L, P638L, P696L, P697L.
Identifiers: ClinVar variation 1384635 (VCV001384635.8), dbSNP rs2100760670, ClinGen allele CA341320034.